The following is an entry in ClinVar:

NM_152703.5(SAMD9L):c.1826T>C (p.Ile609Thr)

Gene: SAMD9L (sterile alpha motif domain containing 9 like; minus strand). Cytogenetic location: 7q21.2.
Variant type: single nucleotide variant.
Coding change: c.1826T>C on transcript NM_152703.5 (MANE Select); coding-DNA position 1826, T replaced by C.
Protein change: p.Ile609Thr; replaces isoleucine 609 with threonine.
Molecular consequence: missense variant.
Genome position (GRCh38, 1-based): chr7:93,134,146, A>G on the plus strand (T>C on the coding strand, the complement: SAMD9L is on the minus strand). VCF-style: chr7-93134146-A-G. GRCh37 (hg19) VCF-style: chr7-92763459-A-G.
Other names: c.1826T>C, p.Ile609Thr (NM_001303496.3, NM_001303497.3, NM_001303498.3 and 5 more transcripts); short protein forms I609T.
Identifiers: ClinVar variation 3437154 (VCV003437154.1).

ClinVar aggregate classification (germline): Uncertain significance (1 of 4 stars; one submission).

Conditions:
Inborn genetic diseases. Identifiers: MedGen C0950123, MeSH D030342.

Submission:

Ambry Genetics
Classification: Uncertain significance for Inborn genetic diseases. Last evaluated: 2024-11-21. Review status: criteria provided, single submitter. Criteria: Ambry Variant Classification Scheme 2023. Collection method: clinical testing. Allele origin: germline.
Comment: The p.I609T variant (also known as c.1826T>C), located in coding exon 1 of the SAMD9L gene, results from a T to C substitution at nucleotide position 1826. The isoleucine at codon 609 is replaced by threonine, an amino acid with similar properties. This amino acid position is conserved. In addition, this alteration is predicted to be tolerated by in silico analysis. Based on the available evidence, the clinical significance of this variant remains unclear.